The following is an entry in ClinVar:

ClinVar aggregate classification (germline): Uncertain significance (1 of 4 stars; one submission).

Submission:

GeneDx
Classification: Uncertain significance. Last evaluated: 2022-03-17. Review status: criteria provided, single submitter. Criteria: GeneDx Variant Classification Process June 2021. Collection method: clinical testing. Allele origin: germline. Affected: yes.
Comment: Not observed at significant frequency in large population cohorts (gnomAD); In silico analysis supports that this missense variant does not alter protein structure/function; Has not been previously published as pathogenic or benign to our knowledge

NM_052989.3(IFT122):c.3040C>G (p.Leu1014Val)

Gene: IFT122 (intraflagellar transport 122; plus strand). Cytogenetic location: 3q22.1.
Variant type: single nucleotide variant.
Coding change: c.3040C>G on transcript NM_052989.3 (MANE Select); coding-DNA position 3040, C replaced by G.
Protein change: p.Leu1014Val; replaces leucine 1014 with valine.
Molecular consequence: missense variant.
Genome position (GRCh38, 1-based): chr3:129,514,441, C>G. VCF-style: chr3-129514441-C-G. GRCh37 (hg19) VCF-style: chr3-129233284-C-G.
Other names: c.3019C>G, p.Leu1007Val (NM_001280541.2); c.2590C>G, p.Leu864Val (NM_001280545.2); c.2413C>G, p.Leu805Val (NM_001280546.2); c.3043C>G, p.Leu1015Val (NM_001410808.1); c.2986C>G, p.Leu996Val (NM_001410809.1); c.2866C>G, p.Leu956Val (NM_001410810.1); c.2812C>G, p.Leu938Val (NM_001410811.1); c.2809C>G, p.Leu937Val (NM_001410813.1); and 5 more; short protein forms L1007V, L1014V, L1015V, L1065V, L805V, L864V, L886V, L903V.
Identifiers: ClinVar variation 1706230 (VCV001706230.2), dbSNP rs2532709435, ClinGen allele CA354487285.